The following is an entry in ClinVar:

ClinVar aggregate classification (germline): Uncertain significance (1 of 4 stars; one submission).

Conditions:
Hereditary cancer-predisposing syndrome. Also called: Neoplastic Syndromes, Hereditary; Tumor predisposition; Hereditary neoplastic syndrome; Hereditary Cancer Syndrome. Identifiers: Orphanet 140162, MedGen C0027672, MeSH D009386, MONDO:0015356.

Submission:

Ambry Genetics
Classification: Uncertain significance for Hereditary cancer-predisposing syndrome. Last evaluated: 2026-07-07. Review status: criteria provided, single submitter. Criteria: Ambry Variant Classification Scheme 2023. Collection method: clinical testing. Allele origin: germline.
Comment: The p.L649P variant (also known as c.1946T>C), located in coding exon 13 of the TSC1 gene, results from a T to C substitution at nucleotide position 1946. The leucine at codon 649 is replaced by proline, an amino acid with similar properties. This amino acid position is conserved. In addition, this alteration is predicted to be deleterious by in silico analysis. Based on the available evidence, the clinical significance of this variant remains unclear.

NM_000368.5(TSC1):c.1946T>C (p.Leu649Pro)

Gene: TSC1 (TSC complex subunit 1; minus strand). Cytogenetic location: 9q34.13.
Variant type: single nucleotide variant.
Coding change: c.1946T>C on transcript NM_000368.5 (MANE Select); coding-DNA position 1946, T replaced by C.
Protein change: p.Leu649Pro; replaces leucine 649 with proline.
Molecular consequence: missense variant. On other transcripts: non-coding transcript variant (5).
Genome position (GRCh38, 1-based): chr9:132,905,632, A>G on the plus strand (T>C on the coding strand, the complement: TSC1 is on the minus strand). VCF-style: chr9-132905632-A-G. GRCh37 (hg19) VCF-style: chr9-135781019-A-G.
Other names: c.1943T>C, p.Leu648Pro (NM_001406597.1, NM_001406598.1, NM_001406599.1 and 6 more transcripts); c.1946T>C, p.Leu649Pro (NM_001406601.1, NM_001406602.1, NM_001406605.1 and 7 more transcripts); c.1583T>C, p.Leu528Pro (NM_001406616.1, NM_001406617.1, NM_001406618.1 and 5 more transcripts); c.1580T>C, p.Leu527Pro (NM_001406620.1, NM_001406621.1, NM_001406622.1 and 2 more transcripts); c.995T>C, p.Leu332Pro (NM_001406626.1); c.992T>C, p.Leu331Pro (NM_001406627.1, NM_001406628.1); c.893T>C, p.Leu298Pro (NM_001406629.1, NM_001406630.1); c.1793T>C, p.Leu598Pro (NM_001162427.2, NM_001406610.1); and 1 more; short protein forms L298P, L331P, L648P, L332P, L597P, L527P, L649P, L528P.
Identifiers: ClinVar variation 5031223 (VCV005031223.1).